The following is an entry in ClinVar:

NM_000089.4(COL1A2):c.2569C>A (p.Pro857Thr)

Gene: COL1A2 (collagen type I alpha 2 chain; plus strand). Cytogenetic location: 7q21.3.
Variant type: single nucleotide variant.
Coding change: c.2569C>A on transcript NM_000089.4 (MANE Select); coding-DNA position 2569, C replaced by A.
Protein change: p.Pro857Thr; replaces proline 857 with threonine.
Molecular consequence: missense variant.
Genome position (GRCh38, 1-based): chr7:94,424,339, C>A. VCF-style: chr7-94424339-C-A. GRCh37 (hg19) VCF-style: chr7-94053651-C-A.
Other names: short protein forms P857T.
Identifiers: ClinVar variation 908994 (VCV000908994.14), dbSNP rs150179964, ClinGen allele CA4347501.

ClinVar aggregate classification (germline): Benign/Likely benign. Review status: criteria provided, multiple submitters, no conflicts (2 of 4 stars). 7 submissions from 6 submitters: Benign (1); Likely benign (6). Last evaluated 2025-11-19.

Conditions:
Osteogenesis imperfecta (OI). Identifiers: Orphanet 666, MedGen C0029434, MeSH D010013, MONDO:0019019.
Osteogenesis imperfecta type I (OI1). Also called: Lobstein's Disease; Osteogenesis imperfecta type 1; OSTEOGENESIS IMPERFECTA WITH BLUE SCLERAE; OI, TYPE I; OSTEOGENESIS IMPERFECTA TARDA; Classic Non-deforming Osteogenesis Imperfecta with Blue Sclerae. Identifiers: Orphanet 216796, Orphanet 666, MedGen C0023931, MONDO:0008146, OMIM 166200. Disease mechanism: loss of function.
Ehlers-Danlos syndrome, classic type, 1 (EDSCL1). Also called: Ehlers-Danlos syndrome, type 1; EHLERS-DANLOS SYNDROME, GRAVIS TYPE; EHLERS-DANLOS SYNDROME, SEVERE CLASSIC TYPE; Ehlers-Danlos Syndrome, Classic Type, COL5A1-Related; EDS I. Identifiers: MedGen C0268335, MONDO:0019567, OMIM 130000.
Ehlers-Danlos syndrome, arthrochalasia type, 2. Also called: EHLERS-DANLOS SYNDROME, TYPE VIIB, AUTOSOMAL DOMINANT. Identifiers: MedGen CN293783, MONDO:0040501, OMIM 617821.
Cardiovascular phenotype. Identifiers: MedGen CN230736.

Allele frequency attached by ClinVar (database versions not stated): TOPMed 0.00019.
gnomAD v4.1: 54 of 1,613,738 alleles (0.0033%); highest among the groups gnomAD compares: East Asian, 0.12%; no homozygotes.

Submissions (7):

Women's Health and Genetics/Laboratory Corporation of America, LabCorp
Classification: Likely benign. Last evaluated: 2025-11-19. Review status: criteria provided, single submitter. Criteria: LabCorp Variant Classification Summary - May 2015. Collection method: clinical testing. Allele origin: germline.
Comment: Variant summary: COL1A2 c.2569C>A (p.Pro857Thr) results in a non-conservative amino acid change in the encoded protein sequence. Algorithms developed to predict the effect of missense changes on protein structure and function all suggest that this variant is likely to be disruptive. The variant allele was found at a frequency of 0.00012 in 251424 control chromosomes, predominantly at a frequency of 0.0016 within the East Asian subpopulation in the gnomAD database. The observed variant frequency within East Asian control individuals in the gnomAD database exceeds the estimated maximal expected allele frequency for disease-causing variants in COL1A2. c.2569C>A has been observed in individuals affected with osteogenesis imperfecta and in all of these cases there was co-occurrence with another pathogenic variant in the same (COL1A2) gene or in a different (COL1A1) gene, known to be associated with autosomal dominant osteogenesis imperfecta (COL1A2 c.3034G>A, p.Gly1012Ser; COL1A1 c.1056+1G>A; COL1A1 c.658C>T, p.Arg220Ter), providing supporting evidence for a benign role for the COL1A2 c.2569C>A variant. To our knowledge, no experimental evidence demonstrating an impact on protein function has been reported. The following publications have been ascertained in the context of this evaluation (PMID: 27519266, 30715774, 30984112). ClinVar contains an entry for this variant (Variation ID: 908994). Based on the evidence outlined above, the variant was classified as likely benign.

Labcorp Genetics (formerly Invitae), Labcorp
Classification: Likely benign for Osteogenesis imperfecta type I; Ehlers-Danlos syndrome, classic type, 1. Last evaluated: 2025-01-21. Review status: criteria provided, single submitter. Criteria: Invitae Variant Classification Sherloc (09022015). Collection method: clinical testing. Allele origin: germline.

Blueprint Genetics
Classification: Likely benign. Last evaluated: 2022-02-18. Review status: criteria provided, single submitter. Criteria: ACMG Guidelines, 2015. Collection method: clinical testing. Allele origin: germline.

Ambry Genetics
Classification: Likely benign for Cardiovascular phenotype. Last evaluated: 2021-12-15. Review status: criteria provided, single submitter. Criteria: Ambry Variant Classification Scheme 2023. Collection method: clinical testing. Allele origin: germline.

GeneDx
Classification: Likely benign. Last evaluated: 2019-01-08. Review status: criteria provided, single submitter. Criteria: GeneDx Variant Classification Process June 2021. Collection method: clinical testing. Allele origin: germline. Affected: yes.
Comment: See Variant Classification Assertion Criteria.

Illumina Laboratory Services, Illumina
Classification: Likely benign for Osteogenesis imperfecta. Last evaluated: 2018-01-13. Review status: criteria provided, single submitter. Criteria: ICSL Variant Classification Criteria 13 December 2019. Collection method: clinical testing. Allele origin: germline.
Comment: This variant was observed in the ICSL laboratory as part of a predisposition screen in an ostensibly healthy population. It had not been previously curated by ICSL or reported in the Human Gene Mutation Database (HGMD: prior to June 1st, 2018), and was therefore a candidate for classification through an automated scoring system. Utilizing variant allele frequency, disease prevalence and penetrance estimates, and inheritance mode, an automated score was calculated to assess if this variant is too frequent to cause the disease. Based on the score and internal cut-off values, a variant classified as likely benign is not then subjected to further curation. The score for this variant resulted in a classification of likely benign for this disease.

Illumina Laboratory Services, Illumina
Classification: Benign for Ehlers-Danlos syndrome, arthrochalasia type, 2. Last evaluated: 2018-01-13. Review status: criteria provided, single submitter. Criteria: ICSL Variant Classification Criteria 13 December 2019. Collection method: clinical testing. Allele origin: germline.
Comment: This variant was observed in the ICSL laboratory as part of a predisposition screen in an ostensibly healthy population. It had not been previously curated by ICSL or reported in the Human Gene Mutation Database (HGMD: prior to June 1st, 2018), and was therefore a candidate for classification through an automated scoring system. Utilizing variant allele frequency, disease prevalence and penetrance estimates, and inheritance mode, an automated score was calculated to assess if this variant is too frequent to cause the disease. Based on the score and internal cut-off values, a variant classified as benign is not then subjected to further curation. The score for this variant resulted in a classification of benign for this disease.

Literature cited by the submitters: PubMed 30715774 (cited by Women's Health and Genetics/Laboratory Corporation of America, LabCorp and Ambry Genetics); PubMed 27519266 (cited by Women's Health and Genetics/Laboratory Corporation of America, LabCorp and Ambry Genetics); PubMed 30984112 (cited by Women's Health and Genetics/Laboratory Corporation of America, LabCorp and Ambry Genetics).